The following is an entry in ClinVar:

NM_002524.5(NRAS):c.179G>A (p.Gly60Glu)

Gene: NRAS (NRAS proto-oncogene, GTPase; minus strand). Cytogenetic location: 1p13.2.
Variant type: single nucleotide variant.
Coding change: c.179G>A on transcript NM_002524.5 (MANE Select); coding-DNA position 179, G replaced by A.
Protein change: p.Gly60Glu; replaces glycine 60 with glutamic acid.
Molecular consequence: missense variant.
Genome position (GRCh38, 1-based): chr1:114,713,911, C>T on the plus strand (G>A on the coding strand, the complement: NRAS is on the minus strand). VCF-style: chr1-114713911-C-T. GRCh37 (hg19) VCF-style: chr1-115256532-C-T.
Other names: p.G60E:GGA>GAA; NM_002524.5(NRAS):c.179G>A; c.179G>A, p.Gly60Glu (LRG_92t1); short protein forms G60E.
Identifiers: ClinVar variation 13903 (VCV000013903.21), dbSNP rs267606920, ClinGen allele CA257021.
Genomic context (GRCh38, chr1:114,713,911, plus strand): 5'-CAGAGGAAGCCTTCGCCTGTCCTCATGTATTGGTCTCTCATGGCACTGTACTCTTCTTGT[C>T]CAGCTGTATCCAGTATGTCCAACAAACAGGTTTCACCATCTATAACCACTTGTTTTCTGT-3'
Protein context (NP_002515.1, residues 50-70): TCLLDILDTA[Gly60Glu]QEEYSAMRDQ

ClinVar aggregate classification (germline): Pathogenic. Review status: reviewed by expert panel (3 of 4 stars). 11 submissions from 11 submitters: Pathogenic (1). 10 of the submissions do not count toward it. Last evaluated 2024-12-03.

Conditions:
Cardiovascular phenotype. Identifiers: MedGen CN230736.
RASopathy. Also called: rasopathies; Noonan spectrum disorder. Identifiers: Orphanet 536391, MedGen C5555857, MONDO:0021060.
NRAS-related disorder. Also called: NRAS-related condition.
Noonan syndrome 6 (NS6). Also called: NRAS-Related Noonan Syndrome. Identifiers: Orphanet 648, MedGen C2750732, MONDO:0013186, OMIM 613224.
Noonan syndrome 1 (NS1). Also called: FEMALE PSEUDO-TURNER SYNDROME; TURNER PHENOTYPE WITH NORMAL KARYOTYPE; PTPN11-Related Noonan Syndrome. Identifiers: Orphanet 648, MedGen C4551602, MONDO:0008104, OMIM 163950. Disease mechanism: gain of function.

Allele frequency attached by ClinVar (database versions not stated): gnomAD 0.00001.
gnomAD v4.1: 2 of 1,611,642 alleles (0.00012%); highest among the groups gnomAD compares: Non-Finnish European, 0.000085%; no homozygotes.

Submissions (11):

ClinGen RASopathy Variant Curation Expert Panel
Classification: Pathogenic for RASopathy. Last evaluated: 2024-12-03. Review status: reviewed by expert panel. Criteria: ClinGen RASopathy ACMG Specifications NRAS V2.3.0. Collection method: curation. Allele origin: germline. Inheritance: Autosomal dominant inheritance.
Comment: The NM_002524.5:c.179G>A variant in NRAS is a missense variant predicted to cause substitution of glycine by glutamic acid at amino acid 60 (p.Gly60Glu). The highest population minor allele frequency in gnomAD v2.1.1 is 0.00006482 (1/15428 alleles) in the European (non-Finnish) population (PM2_Supporting, BS1, and BA1 are not met). The computational predictor REVEL gives a score of 0.958, which is above the threshold of 0.7, evidence that correlates with impact to NRAS function (PP3). This variant has been reported in 13 probands with RASopathy (PS4; PMIDs: 19966803, 26467218, 28594414, SCV000208921.11, GeneDx, Hôpital Universitaire Robert Debré). This variant has been identified as a de novo occurrence with confirmed parental relationships in 4 individuals and as a de novo occurrence with unconfirmed parental relationships in 2 individuals with RASopathy (PS2_VeryStrong; PMIDs: 19966803 and 28594414, SCV000208921.11, GeneDx, Hôpital Universitaire Robert Debré). The variant has been reported to segregate with RASopathy in 5 affected family members from 3 family(ies (PP1; PMIDs: 19966803, 26467218, 28594414). MEK and ERK activation in COS-7 cells showed increased phophorylation indicating that this variant impacts protein function (PMID: 19966803)(PS3_Moderate). In summary, this variant meets the criteria to be classified as pathogenic for autosomal dominant RASopathy based on the ACMG/AMP criteria applied, as specified by the ClinGen RASopathy VCEP: PS2_VeryStrong, PS4, PS3_Moderate, PM2_Supporting, PP1, PP3. (ClinGen RASopathy VCEP specifications version 2.3; 12/3/2024)

3billion
Classification: Pathogenic for Noonan syndrome 6. Last evaluated: 2025-05-09. Review status: criteria provided, single submitter. Criteria: ACMG Guidelines, 2015. Collection method: clinical testing. Allele origin: germline. Affected: yes. Not counted in ClinVar's aggregate classification.
Comment: The variant is observed at an extremely low frequency in the gnomAD v4.1.0 dataset (total allele frequency: <0.001%). Predicted Consequence/Location: Missense variant. Missense changes are a common disease-causing mechanism. In silico tool predictions suggest damaging effect of the variant on gene or gene product [REVEL: 0.96 (>=0.6, sensitivity 0.68 and specificity 0.92); 3Cnet: 0.99 (> 0.75, sensitivity 0.96 and precision 0.92)]. The same nucleotide change resulting in the same amino acid change has been previously reported as pathogenic/likely pathogenic with strong evidence (ClinVar ID: VCV000013903 /PMID: 19966803). The variant has been previously reported as assumed (i.e. paternity and maternity not confirmed) de novo in at least one similarly affected unrelated individual (PMID: 28594414). Different missense changes at the same codon (p.Gly60Arg, p.Gly60Val) have been reported as pathogenic/likely pathogenic with strong evidence (ClinVar ID: VCV000561786, VCV001334247). Therefore, this variant is classified as Pathogenic according to the recommendation of ACMG/AMP guideline.

Ambry Genetics
Classification: Pathogenic for Cardiovascular phenotype. Last evaluated: 2024-10-29. Review status: criteria provided, single submitter. Criteria: Ambry Variant Classification Scheme 2023. Collection method: clinical testing. Allele origin: germline. Not counted in ClinVar's aggregate classification.
Comment: The p.G60E pathogenic mutation (also known as c.179G>A), located in coding exon 2 of the NRAS gene, results from a G to A substitution at nucleotide position 179. The glycine at codon 60 is replaced by glutamic acid, an amino acid with similar properties. This variant has been reported in subjects with features of Noonan syndrome and has been reported as a de novo variant (Cirstea IC et al. Nat Genet, 2010 Jan;42:27-9; Runtuwene V et al. Dis Model Mech, 2011 May;4:393-9; Kraoua L et al. Am J Med Genet A, 2012 Oct;158A:2407-11; Ekvall S et al. BMC Med Genet, 2015 Oct;16:95). This amino acid position is highly conserved in available vertebrate species. In addition, this alteration is predicted to be deleterious by in silico analysis. Based on the supporting evidence, this variant is interpreted as a disease-causing mutation.

Labcorp Genetics (formerly Invitae), Labcorp
Classification: Pathogenic for RASopathy. Last evaluated: 2024-07-16. Review status: criteria provided, single submitter. Criteria: Invitae Variant Classification Sherloc (09022015). Collection method: clinical testing. Allele origin: germline. Not counted in ClinVar's aggregate classification.
Comment: This sequence change replaces glycine, which is neutral and non-polar, with glutamic acid, which is acidic and polar, at codon 60 of the NRAS protein (p.Gly60Glu). This variant is present in population databases (rs267606920, gnomAD 0.007%). This missense change has been observed in individual(s) with Noonan syndrome (PMID: 19966803, 26467218, 28594414). In at least one individual the variant was observed to be de novo. It has also been observed to segregate with disease in related individuals. ClinVar contains an entry for this variant (Variation ID: 13903). Advanced modeling of protein sequence and biophysical properties (such as structural, functional, and spatial information, amino acid conservation, physicochemical variation, residue mobility, and thermodynamic stability) performed at Invitae indicates that this missense variant is expected to disrupt NRAS protein function with a positive predictive value of 95%. Experimental studies have shown that this missense change affects NRAS function (PMID: 19966803). For these reasons, this variant has been classified as Pathogenic.

Rady Children's Institute for Genomic Medicine, Rady Children's Hospital San Diego
Classification: Pathogenic for NRAS-related disorders. Last evaluated: 2024-03-22. Review status: criteria provided, single submitter. Criteria: ACMG Guidelines, 2015. Collection method: clinical testing. Allele origin: germline. Affected: yes. Not counted in ClinVar's aggregate classification.
Comment: Missense variation is an established mechanism of disease for NRAS-related disorders (PMID: 28594414). The c.179G>A (p.Gly60Glu) variant affects a highly conserved amino acid and is predicted by multiple in silico tools to have a deleterious effect on protein function. This is a recurrent, known Pathogenic variant that has been previously reported as a heterozygous change in the de novo state (PMID: 19966803, 22887781) and co-segregating with disease in familial cases of Noonan syndrome (PMID: 19966803, 26467218, 28594414, 22887781). The c.179G>A (p.Gly60Glu) variant is located in a mutational hotspot for pathogenic variations associated with Noonan syndrome (PMID: 28594414). In vitro functional studies demonstrated that the c.179G>A (p.Gly60Glu) variant results in upregulation of MAPK (PMID: 19966803), while in vivo studies in zebrafish embryos revealed severe developmental defects that resemble those observed in Noonan syndrome (PMID: 21263000). The c.179G>A (p.Gly60Glu) variant is present in the heterozygous state in the gnomAD v4 population database at a frequency of 0.0003% (2/779002) and absent in the homozygous state. However, quality metrics indicate the frequency data for this variant in the population databases is considered unreliable in the gnomAD v4 database. Based on the available evidence, c.179G>A (p.Gly60Glu) is classified as Pathogenic.

Blueprint Genetics
Classification: Pathogenic for NRAS-related disorders. Last evaluated: 2023-06-20. Review status: criteria provided, single submitter. Criteria: ACMG Guidelines, 2015. Collection method: clinical testing. Allele origin: germline. Affected: yes. Observed: 5 variant alleles. Not counted in ClinVar's aggregate classification.

PreventionGenetics, part of Exact Sciences
Classification: Pathogenic for NRAS-related condition. Last evaluated: 2023-03-03. Review status: criteria provided, single submitter. Criteria: ACMG Guidelines, 2015. Collection method: clinical testing. Allele origin: germline. Not counted in ClinVar's aggregate classification.
Comment: The NRAS c.179G>A variant is predicted to result in the amino acid substitution p.Gly60Glu. This variant has been reported to be causative for Noonan syndrome in both familial and sporadic cases and was shown to have occurred de novo in the sporadic cases (Cirstea et al. 2010. PubMed ID: 19966803; Ekvall et al. 2015. PubMed ID: 26467218; Altmüller et al. 2017. PubMed ID: 28594414). At PreventionGenetics, we previously identified this variant in other patients with a diagnosis of Noonan-spectrum disorders. This variant has also been reported to impact NRAS protein function (Cirstea et al. 2010. PubMed ID: 19966803). This variant is reported in 0.0065% of alleles in individuals of European (Non-Finnish) descent in gnomAD. This variant is interpreted as pathogenic.

GeneDx
Classification: Pathogenic. Last evaluated: 2022-02-23. Review status: criteria provided, single submitter. Criteria: GeneDx Variant Classification Process June 2021. Collection method: clinical testing. Allele origin: germline. Affected: yes. Not counted in ClinVar's aggregate classification.
Comment: Published functional studies demonstrate variant results in enhanced phosphorylation of MEK and ERK and upregulation of MAPK (Runtuwene V et al., 2011; Cirstea IC et al., 2010); In silico analysis supports that this missense variant has a deleterious effect on protein structure/function; This variant is associated with the following publications: (PMID: 19966803, 22887781, 26467218, 24803665, 32369273, 28594414, 21263000)

Center for Genomics, Ann and Robert H. Lurie Children's Hospital of Chicago
Classification: Pathogenic for Noonan syndrome 6. Last evaluated: 2017-08-01. Review status: criteria provided, single submitter. Criteria: ACMG Guidelines, 2015. Collection method: clinical testing. Allele origin: germline. Not counted in ClinVar's aggregate classification.
Comment: NRAS NM_002524 exon3 p.Gly60Glu (c.179G>A): This variant has been reported in the literature in 3 individuals with Noonan syndrome, segregating with disease in 1 affected family member. Of note, at least one of these individuals was also reported to have this variant de novo (Cirstea 2010 PMID:19966803). This variant is present in 1/15004 European individuals in the Genome Aggregation Database. Please note, disease causing variants may be present in control databases at low frequencies, reflective of the general population and/or variable expressivity. This variant is present in ClinVar (Variant ID: 13903). Furthermore, in vitro functional studies predict that this variant will impact the protein (Cirstea 2010 PMID:19966803). In summary, this variant is classified as pathogenic based on the data above (segregation studies, presence as a de novo, absence from controls, functional studies).

OMIM
Classification: Pathogenic for NOONAN SYNDROME 6. Last evaluated: 2010-01-01. Review status: no assertion criteria provided. Collection method: literature only. Allele origin: germline. Not counted in ClinVar's aggregate classification.

GeneReviews
No classification provided. Condition: Noonan syndrome 1. Review status: no classification provided. Collection method: literature only. Allele origin: germline. Affected: yes. Not counted in ClinVar's aggregate classification.

Literature cited by the submitters: PubMed 19966803 (cited by 4 submitters); PubMed 28594414 (cited by 3billion and Labcorp Genetics (formerly Invitae), Labcorp); PubMed 21263000 (cited by Ambry Genetics); PubMed 22887781 (cited by Ambry Genetics); PubMed 26467218 (cited by 3 submitters); NCBI Bookshelf NBK1124 (cited by GeneReviews).